The following is an entry in ClinVar:

NM_001267550.2(TTN):c.4042A>G (p.Ser1348Gly)

Genes: TTN (titin; minus strand), LOC101927055 (uncharacterized LOC101927055; plus strand). Cytogenetic location: 2q31.2.
Variant type: single nucleotide variant.
Coding change: c.4042A>G on transcript NM_001267550.2 (MANE Select); coding-DNA position 4042, A replaced by G.
Protein change: p.Ser1348Gly; replaces serine 1348 with glycine.
Molecular consequence: missense variant.
Genome position (GRCh38, 1-based): chr2:178,779,040, T>C on the plus strand (A>G on the coding strand, the complement: TTN is on the minus strand). VCF-style: chr2-178779040-T-C. GRCh37 (hg19) VCF-style: chr2-179643767-T-C.
Other names: c.4042A>G, p.Ser1348Gly (NM_133378.4, NM_001256850.1, NM_133379.5); c.3904A>G, p.Ser1302Gly (NM_003319.4, NM_133432.3, NM_133437.4); short protein forms S1348G, S1302G.
Identifiers: ClinVar variation 47019 (VCV000047019.6), dbSNP rs397517591, ClinGen allele CA139777.

ClinVar aggregate classification (germline): Conflicting classifications of pathogenicity. Review status: criteria provided, conflicting classifications (1 of 4 stars). 2 submissions from 2 submitters: Uncertain significance (1); Likely benign (1). Last evaluated 2025-04-09.

Allele frequency attached by ClinVar (database versions not stated): gnomAD 0.00001; TOPMed 0.00001; ExAC 0.00002; gnomAD exomes 0.00002.
gnomAD v4.1: 12 of 1,613,946 alleles (0.00074%); highest among the groups gnomAD compares: Admixed American, 0.005%; no homozygotes.

Submissions (2):

Molecular Diagnostic Laboratory for Inherited Cardiovascular Disease, Montreal Heart Institute
Classification: Likely benign. Last evaluated: 2025-04-09. Review status: criteria provided, single submitter. Criteria: ACMG Guidelines, 2015. Collection method: clinical testing. Allele origin: germline. Affected: no.
Comment: BP1

Laboratory for Molecular Medicine, Mass General Brigham Personalized Medicine
Classification: Uncertain significance. Last evaluated: 2017-12-29. Review status: criteria provided, single submitter. Criteria: LMM Criteria. Collection method: clinical testing. Allele origin: germline. Observed: 2 variant alleles.
Comment: The p.Ser1348Gly variant in TTN has not been previously reported in individuals with cardiomyopathy, but has been identified in 3/110930 European chromosomes by the Genome Aggregation Database (gnomAD; dbS NP rs397517591). Computational prediction tools and conservation analysis sugges t that the p.Ser1348Gly variant may impact the protein, though this information is not predictive enough to determine pathogenicity. In summary, the clinical si gnificance of the p.Ser1348Gly variant is uncertain. ACMG/AMP Criteria applied: PM2; PP3.